The following is an entry in ClinVar:

ClinVar aggregate classification (germline): Uncertain significance (1 of 4 stars; one submission).

Submission:

Labcorp Genetics (formerly Invitae), Labcorp
Classification: Uncertain significance. Last evaluated: 2021-08-19. Review status: criteria provided, single submitter. Criteria: Invitae Variant Classification Sherloc (09022015). Collection method: clinical testing. Allele origin: germline.
Comment: This sequence change falls in intron 5 of the SEC61A1 gene. It does not directly change the encoded amino acid sequence of the SEC61A1 protein. It affects a nucleotide within the consensus splice site of the intron. This variant is not present in population databases (ExAC no frequency). This variant has not been reported in the literature in individuals affected with SEC61A1-related conditions. Variants that disrupt the consensus splice site are a relatively common cause of aberrant splicing (PMID: 17576681, 9536098). Algorithms developed to predict the effect of sequence changes on RNA splicing suggest that this variant may disrupt the consensus splice site. In summary, the available evidence is currently insufficient to determine the role of this variant in disease. Therefore, it has been classified as a Variant of Uncertain Significance.

Literature cited by the submitters: PubMed 17576681; PubMed 9536098.

NM_013336.4(SEC61A1):c.352+3A>G

Gene: SEC61A1 (SEC61 translocon subunit alpha 1; plus strand). Cytogenetic location: 3q21.3.
Variant type: single nucleotide variant.
Coding change: c.352+3A>G on transcript NM_013336.4 (MANE Select); 3 bases into the intron after coding-DNA position 352, A replaced by G.
Molecular consequence: intron variant.
Genome position (GRCh38, 1-based): chr3:128,056,843, A>G. VCF-style: chr3-128056843-A-G. GRCh37 (hg19) VCF-style: chr3-127775686-A-G.
Identifiers: ClinVar variation 1389907 (VCV001389907.6), dbSNP rs1941779129, ClinGen allele CA1400535630.